The following is an entry in ClinVar:

NM_012144.4(DNAI1):c.885_886dup (p.Asp296fs)

Gene: DNAI1 (dynein axonemal intermediate chain 1; plus strand). Cytogenetic location: 9p13.3.
Variant type: Duplication.
Coding change: c.885_886dup on transcript NM_012144.4 (MANE Select); coding-DNA positions 885 to 886, 2 bases duplicated (TG; older notation c.885_886dupTG).
Protein change: p.Asp296fs; shifts the reading frame from aspartic acid 296.
Molecular consequence: frameshift variant.
Genome position (GRCh38, 1-based): chr9:34,497,183-34,497,184, TG duplicated. VCF-style (leftmost placement, unchanged base first): chr9-34497182-A-ATG. GRCh37 (hg19) VCF-style: chr9-34497180-A-ATG.
Other names: c.897_898dup, p.Asp300fs (NM_001281428.2); c.885_886dupTG (NM_012144.3); short protein forms D300fs, D296fs.
Identifiers: ClinVar variation 2172661 (VCV002172661.6), dbSNP rs2492058692, ClinGen allele CA2580080366.

ClinVar aggregate classification (germline): Pathogenic. Review status: criteria provided, multiple submitters, no conflicts (2 of 4 stars). 3 submissions from 3 submitters: Pathogenic (3). Last evaluated 2025-10-26.

Conditions:
Kartagener syndrome (CILD1). Also called: CILIARY DYSKINESIA, PRIMARY, 1; CILIARY DYSKINESIA, PRIMARY, 1, WITH OR WITHOUT SITUS INVERSUS; Dextrocardia bronchiectasis and sinusitis; SIEWERT SYNDROME; IMMOTILE CILIA SYNDROME; POLYNESIAN BRONCHIECTASIS. Identifiers: Orphanet 244, MedGen C4551906, MONDO:0009484, OMIM 244400.
Primary ciliary dyskinesia. Also called: Ciliary dyskinesia. Identifiers: Orphanet 244, MedGen C0008780, MONDO:0016575, HP:0012265.

Allele frequency attached by ClinVar (database versions not stated): gnomAD exomes below 0.00001.

Submissions (3):

Labcorp Genetics (formerly Invitae), Labcorp
Classification: Pathogenic for Primary ciliary dyskinesia. Last evaluated: 2025-10-26. Review status: criteria provided, single submitter. Criteria: Invitae Variant Classification Sherloc (09022015). Collection method: clinical testing. Allele origin: germline.
Comment: This sequence change creates a premature translational stop signal (p.Asp296Valfs*64) in the DNAI1 gene. It is expected to result in an absent or disrupted protein product. Loss-of-function variants in DNAI1 are known to be pathogenic (PMID: 16858015, 29363216). This variant is not present in population databases (gnomAD no frequency). This premature translational stop signal has been observed in individual(s) with clinical features of primary ciliary dyskinesia (PMID: 31772028). ClinVar contains an entry for this variant (Variation ID: 2172661). For these reasons, this variant has been classified as Pathogenic.

Natera, Inc.
Classification: Pathogenic for Primary ciliary dyskinesia. Last evaluated: 2024-05-22. Review status: criteria provided, single submitter. Criteria: Natera Variant Classification Schema (03/2026). Collection method: clinical testing. Allele origin: germline.
Comment: The c.885_886dupTG variant in DNAI1 is a frameshift variant predicted to shift the reading frame beginning at codon 296 and leads to a stop codon 64 codons downstream. This variant is expected to result in nonsense mediated decay, truncation, or a dysfunctional protein product. This variant is rare in the general population with a frequency below the threshold expected for the associated phenotype(s). This variant has been observed in one or more individuals affected with the associated recessive disease, as either homozygous or compound heterozygous with a second variant (PMID: 31772028). Given the available evidence, this variant is classified as Pathogenic.

Fulgent Genetics
Classification: Pathogenic for Kartagener syndrome. Last evaluated: 2024-04-09. Review status: criteria provided, single submitter. Criteria: ACMG Guidelines, 2015. Collection method: clinical testing. Allele origin: germline.

Literature cited by the submitters: PubMed 16858015 (cited by Labcorp Genetics (formerly Invitae), Labcorp); PubMed 29363216 (cited by Labcorp Genetics (formerly Invitae), Labcorp); PubMed 31772028 (cited by Labcorp Genetics (formerly Invitae), Labcorp and Natera, Inc.).